The following is an entry in ClinVar:

NM_182914.3(SYNE2):c.5671A>G (p.Ile1891Val)

Gene: SYNE2 (spectrin repeat containing nuclear envelope protein 2; plus strand). Cytogenetic location: 14q23.2.
Variant type: single nucleotide variant.
Coding change: c.5671A>G on transcript NM_182914.3 (MANE Select); coding-DNA position 5671, A replaced by G.
Protein change: p.Ile1891Val; replaces isoleucine 1891 with valine.
Molecular consequence: missense variant.
Genome position (GRCh38, 1-based): chr14:64,024,290, A>G. VCF-style: chr14-64024290-A-G. GRCh37 (hg19) VCF-style: chr14-64491008-A-G.
Other names: c.5671A>G, p.Ile1891Val (NM_015180.6); short protein forms I1891V.
Identifiers: ClinVar variation 4810068 (VCV004810068.1).
Genomic context (GRCh38, chr14:64,024,290, plus strand): 5'-TGTAATGGACTTTTTGTCTTTCTGAAGGATTTCTTGACTCTTGAAGGAAGAAACAGTAAA[A>G]TAAAGCAGGTGGACAGCGTACTGAAGCATGTGAAGAAGCATCTGCCCAAAGCACATGTGA-3'
Protein context (NP_878918.2, residues 1881-1901): FLTLEGRNSK[Ile1891Val]KQVDSVLKHV

ClinVar aggregate classification (germline): Uncertain significance (1 of 4 stars; one submission).

Conditions:
Emery-Dreifuss muscular dystrophy 5, autosomal dominant (EDMD5). Also called: EMERY-DREIFUSS MUSCULAR DYSTROPHY 5. Identifiers: Orphanet 261, MedGen C2751805, MONDO:0013072, OMIM 612999.

gnomAD v4.1: 6 of 1,614,016 alleles (0.00037%); highest among the groups gnomAD compares: African/African-American, 0.0053%; no homozygotes.

Submission:

Labcorp Genetics (formerly Invitae), Labcorp
Classification: Uncertain significance for Emery-Dreifuss muscular dystrophy 5, autosomal dominant. Last evaluated: 2025-10-03. Review status: criteria provided, single submitter. Criteria: Invitae Variant Classification Sherloc (09022015). Collection method: clinical testing. Allele origin: germline.
Comment: This sequence change replaces isoleucine, which is neutral and non-polar, with valine, which is neutral and non-polar, at codon 1891 of the SYNE2 protein (p.Ile1891Val). This variant is present in population databases (rs773108523, gnomAD 0.007%). This variant has not been reported in the literature in individuals affected with SYNE2-related conditions. An algorithm developed to predict the effect of missense changes on protein structure and function outputs the following: PolyPhen-2: "Benign". The valine amino acid residue is found in multiple mammalian species, which suggests that this missense change does not adversely affect protein function. In summary, the available evidence is currently insufficient to determine the role of this variant in disease. Therefore, it has been classified as a Variant of Uncertain Significance.